The following is an entry in ClinVar:

NM_001365536.1(SCN9A):c.5741G>A (p.Ser1914Asn)

Genes: SCN9A (sodium voltage-gated channel alpha subunit 9; minus strand), SCN1A-AS1 (SCN1A and SCN9A antisense RNA 1; plus strand). Cytogenetic location: 2q24.3.
Variant type: single nucleotide variant.
Coding change: c.5741G>A on transcript NM_001365536.1 (MANE Select); coding-DNA position 5741, G replaced by A.
Protein change: p.Ser1914Asn; replaces serine 1914 with asparagine.
Molecular consequence: missense variant.
Genome position (GRCh38, 1-based): chr2:166,198,898, C>T on the plus strand (G>A on the coding strand, the complement: SCN9A is on the minus strand). VCF-style: chr2-166198898-C-T. GRCh37 (hg19) VCF-style: chr2-167055408-C-T.
Other names: c.5708G>A, p.Ser1903Asn (NM_002977.4); short protein forms S1903N, S1914N.
Identifiers: ClinVar variation 1502753 (VCV001502753.7), dbSNP rs910321137, ClinGen allele CA59782995.
Genomic context (GRCh38, chr2:166,198,898, plus strand): 5'-AAAGCCATATCTTTTTTATTGAGTAAATCATCATCTCTGTCTCCATCTTTTATGTATATA[C>T]TTGATATATTTTTGACATTTTGCCTTAAGCGGTAACGTCTATAAGCACGCTGAATGACAG-3'
Protein context (NP_001352465.1, residues 1904-1924): RLRQNVKNIS[Ser1914Asn]IYIKDGDRDD

ClinVar aggregate classification (germline): Uncertain significance. Review status: criteria provided, multiple submitters, no conflicts (2 of 4 stars). 2 submissions from 2 submitters: Uncertain significance (2). Last evaluated 2026-07-01.

Conditions:
Neuropathy, hereditary sensory and autonomic, type 2A (HSAN2A). Also called: ACROOSTEOLYSIS, GIACCAI TYPE; ACROOSTEOLYSIS, NEUROGENIC; MORVAN DISEASE; NEUROPATHY, CONGENITAL SENSORY; NEUROPATHY, HEREDITARY SENSORY RADICULAR, AUTOSOMAL RECESSIVE; NEUROPATHY, HEREDITARY SENSORY, TYPE IIA. Identifiers: Orphanet 970, MedGen C2752089, MONDO:0024309, OMIM 201300.
Generalized epilepsy with febrile seizures plus, type 7 (GEFSP7). Also called: GEFS+, TYPE 7. Identifiers: Orphanet 36387, MedGen C2751778, MONDO:0013470, OMIM 613863.

Allele frequency attached by ClinVar (database versions not stated): gnomAD exomes below 0.00001; gnomAD 0.00001.
gnomAD v4.1: 6 of 1,613,396 alleles (0.00037%); highest among the groups gnomAD compares: Admixed American, 0.0033%; no homozygotes.

Submissions (2):

CeGaT Center for Human Genetics Tuebingen
Classification: Uncertain significance. Last evaluated: 2026-07-01. Review status: criteria provided, single submitter. Criteria: CeGaT Center For Human Genetics Tuebingen Variant Classification Criteria Version 2. Collection method: clinical testing. Allele origin: germline. Affected: yes. Observed: 1 variant allele.
Comment: SCN9A: PM2

Labcorp Genetics (formerly Invitae), Labcorp
Classification: Uncertain significance for Neuropathy, hereditary sensory and autonomic, type 2A; Generalized epilepsy with febrile seizures plus, type 7. Last evaluated: 2024-11-12. Review status: criteria provided, single submitter. Criteria: Invitae Variant Classification Sherloc (09022015). Collection method: clinical testing. Allele origin: germline.
Comment: This sequence change replaces serine, which is neutral and polar, with asparagine, which is neutral and polar, at codon 1903 of the SCN9A protein (p.Ser1903Asn). This variant is present in population databases (no rsID available, gnomAD 0.003%). This variant has not been reported in the literature in individuals affected with SCN9A-related conditions. ClinVar contains an entry for this variant (Variation ID: 1502753). Invitae Evidence Modeling of protein sequence and biophysical properties (such as structural, functional, and spatial information, amino acid conservation, physicochemical variation, residue mobility, and thermodynamic stability) indicates that this missense variant is not expected to disrupt SCN9A protein function with a negative predictive value of 95%. In summary, the available evidence is currently insufficient to determine the role of this variant in disease. Therefore, it has been classified as a Variant of Uncertain Significance.